The following is an entry in ClinVar:

NM_001378414.1(HDAC4):c.2929C>T (p.Leu977Phe)

Gene: HDAC4 (histone deacetylase 4; minus strand). Cytogenetic location: 2q37.3.
Variant type: single nucleotide variant.
Coding change: c.2929C>T on transcript NM_001378414.1 (MANE Select); coding-DNA position 2929, C replaced by T.
Protein change: p.Leu977Phe; replaces leucine 977 with phenylalanine.
Molecular consequence: missense variant.
Genome position (GRCh38, 1-based): chr2:239,066,796, G>A on the plus strand (C>T on the coding strand, the complement: HDAC4 is on the minus strand). VCF-style: chr2-239066796-G-A. GRCh37 (hg19) VCF-style: chr2-239988492-G-A.
Other names: c.2929C>T, p.Leu977Phe (NM_001378415.1); c.2914C>T, p.Leu972Phe (NM_001378416.1, NM_001378417.1, NM_006037.4); short protein forms L972F, L977F.
Identifiers: ClinVar variation 1315199 (VCV001315199.3), dbSNP rs2106590127, ClinGen allele CA351256005.

ClinVar aggregate classification (germline): Uncertain significance (1 of 4 stars; one submission).

Submission:

GeneDx
Classification: Uncertain significance. Last evaluated: 2023-10-03. Review status: criteria provided, single submitter. Criteria: GeneDx Variant Classification Process June 2021. Collection method: clinical testing. Allele origin: germline. Affected: yes.
Comment: Not observed at significant frequency in large population cohorts (gnomAD); In silico analysis supports that this missense variant has a deleterious effect on protein structure/function; Has not been previously published as pathogenic or benign to our knowledge